The following is an entry in ClinVar:

ClinVar aggregate classification (germline): Uncertain significance (1 of 4 stars; one submission).

Conditions:
GLUT1 deficiency syndrome 1, autosomal recessive. Identifiers: MedGen C3149117.

Submission:

Labcorp Genetics (formerly Invitae), Labcorp
Classification: Uncertain significance for GLUT1 deficiency syndrome 1, autosomal recessive. Last evaluated: 2017-09-30. Review status: criteria provided, single submitter. Criteria: Invitae Variant Classification Sherloc (09022015). Collection method: clinical testing. Allele origin: germline.
Comment: This sequence change replaces glycine with arginine at codon 157 of the SLC2A1 protein (p.Gly157Arg). The glycine residue is highly conserved and there is a moderate physicochemical difference between glycine and arginine. This variant is not present in population databases (ExAC no frequency). This variant has not been reported in the literature in individuals with SLC2A1-related disease. Algorithms developed to predict the effect of missense changes on protein structure and function do not agree on the potential impact of this missense change (SIFT: "Deleterious"; PolyPhen-2: "Probably Damaging"; Align-GVGD: "Class C15"). In summary, the available evidence is currently insufficient to determine the role of this variant in disease. Therefore, it has been classified as a Variant of Uncertain Significance.

NM_006516.4(SLC2A1):c.469G>C (p.Gly157Arg)

Gene: SLC2A1 (solute carrier family 2 member 1; minus strand). Cytogenetic location: 1p34.2.
Variant type: single nucleotide variant.
Coding change: c.469G>C on transcript NM_006516.4 (MANE Select); coding-DNA position 469, G replaced by C.
Protein change: p.Gly157Arg; replaces glycine 157 with arginine.
Molecular consequence: missense variant.
Genome position (GRCh38, 1-based): chr1:42,930,673, C>G on the plus strand (G>C on the coding strand, the complement: SLC2A1 is on the minus strand). VCF-style: chr1-42930673-C-G. GRCh37 (hg19) VCF-style: chr1-43396344-C-G.
Other names: short protein forms G157R.
Identifiers: ClinVar variation 538671 (VCV000538671.9), dbSNP rs1553156157, ClinGen allele CA339960497.